The following is an entry in ClinVar:

ClinVar aggregate classification (germline): Pathogenic (1 of 4 stars; one submission).

Submission:

Labcorp Genetics (formerly Invitae), Labcorp
Classification: Pathogenic. Last evaluated: 2023-10-14. Review status: criteria provided, single submitter. Criteria: Invitae Variant Classification Sherloc (09022015). Collection method: clinical testing. Allele origin: germline.
Comment: This sequence change creates a premature translational stop signal (p.Gly79Alafs*6) in the HOGA1 gene. It is expected to result in an absent or disrupted protein product. Loss-of-function variants in HOGA1 are known to be pathogenic (PMID: 22391140, 22781098). This variant is not present in population databases (gnomAD no frequency). This variant has not been reported in the literature in individuals affected with HOGA1-related conditions. Algorithms developed to predict the effect of sequence changes on RNA splicing suggest that this variant may disrupt the consensus splice site. For these reasons, this variant has been classified as Pathogenic.

Literature cited by the submitters: PubMed 22391140; PubMed 22781098.

NM_138413.4(HOGA1):c.236del (p.Gly79fs)

Gene: HOGA1 (4-hydroxy-2-oxoglutarate aldolase 1; plus strand). Cytogenetic location: 10q24.2.
Variant type: Deletion.
Coding change: c.236del on transcript NM_138413.4 (MANE Select); coding-DNA position 236, one base deleted (G; older notation c.236delG).
Protein change: p.Gly79fs; shifts the reading frame from glycine 79.
Molecular consequence: frameshift variant. On other transcripts: intron variant (1).
Genome position (GRCh38, 1-based): chr10:97,598,799, G deleted; the last of 2 consecutive G bases (chr10:97,598,798-97,598,799); deleting either gives the same sequence. VCF-style (leftmost placement, unchanged base first): chr10-97598797-TG-T. GRCh37 (hg19) VCF-style: chr10-99358554-TG-T.
Other names: c.212-3058del (NM_001134670.2); short protein forms G79fs.
Identifiers: ClinVar variation 2783196 (VCV002783196.3), dbSNP rs2540074052, ClinGen allele CA2610417981.